The following is an entry in ClinVar:

ClinVar aggregate classification (germline): Conflicting classifications of pathogenicity. Review status: criteria provided, conflicting classifications (1 of 4 stars). 7 submissions from 7 submitters: Pathogenic (5); Uncertain significance (1). 1 of the submissions does not count toward it. Last evaluated 2025-02-27.

Conditions:
Brain small vessel disease 1 with or without ocular anomalies (BSVD1). Also called: PORENCEPHALY, TYPE 1, AUTOSOMAL DOMINANT; GOULD SYNDROME 1; BRAIN SMALL VESSEL DISEASE WITH HEMORRHAGE; Brain small vessel disease with or without ocular anomalies. Identifiers: Orphanet 2940, Orphanet 36383, Orphanet 99810, MedGen C4755307, MONDO:0008289, OMIM 175780.
COL4A1-related disorder. Also called: COL4A1-related condition; COL4A1-related disorders. Identifiers: MedGen CN376119, MONDO:0800461.
Anterior segment dysgenesis. Also called: Ocular anterior segment dysgenesis. Identifiers: Orphanet 88632, MedGen C1862839, MONDO:0019503, HP:0007700.

Submissions (7):

3billion
Classification: Pathogenic for COL4A1-related disorder. Last evaluated: 2025-02-27. Review status: criteria provided, single submitter. Criteria: ACMG Guidelines, 2015. Collection method: clinical testing. Allele origin: germline. Affected: yes.
Comment: The variant is not observed in the gnomAD v4.1.0 dataset. Predicted Consequence/Location: Missense variant In silico tool predictions suggest damaging effect of the variant on gene or gene product [REVEL: 0.98 (>=0.6, sensitivity 0.68 and specificity 0.92); 3Cnet: 0.97 (> 0.75, sensitivity 0.96 and precision 0.92)]. The same nucleotide change resulting in the same amino acid change has been previously reported as pathogenic/likely pathogenic with strong evidence (ClinVar ID: VCV000235568 /PMID: 30181649). The variant has been previously reported as de novo in a similarly affected individual (PMID: 30181649). A different missense change at the same codon (p.Gly212Arg) has been reported to be associated with COL4A1-related disorder (ClinVar ID: VCV002690574). Therefore, this variant is classified as Pathogenic according to the recommendation of ACMG/AMP guideline.

Labcorp Genetics (formerly Invitae), Labcorp
Classification: Pathogenic. Last evaluated: 2023-06-14. Review status: criteria provided, single submitter. Criteria: Invitae Variant Classification Sherloc (09022015). Collection method: clinical testing. Allele origin: germline.
Comment: This variant disrupts the triple helix domain of COL4A1. Glycine residues within the Gly-Xaa-Yaa repeats of the triple helix domain are required for the structure and stability of fibrillar collagens (PMID: 7695699, 8218237, 19344236). In COL4A1 variants affecting these glycine residues are significantly enriched in individuals with disease (PMID: 9016532, 17078022) compared to the general population (ExAC). This sequence change replaces glycine, which is neutral and non-polar, with serine, which is neutral and polar, at codon 212 of the COL4A1 protein (p.Gly212Ser). This variant is not present in population databases (gnomAD no frequency). This missense change has been observed in individual(s) with clinical features of COL4A1-related conditions (PMID: 30181649). In at least one individual the variant was observed to be de novo. ClinVar contains an entry for this variant (Variation ID: 235568). Advanced modeling of protein sequence and biophysical properties (such as structural, functional, and spatial information, amino acid conservation, physicochemical variation, residue mobility, and thermodynamic stability) performed at Invitae indicates that this missense variant is expected to disrupt COL4A1 protein function. For these reasons, this variant has been classified as Pathogenic.

Duke University Health System Sequencing Clinic, Duke University Health System
Classification: Pathogenic for Brain small vessel disease 1 with or without ocular anomalies. Last evaluated: 2023-04-20. Review status: criteria provided, single submitter. Criteria: ACMG Guidelines, 2015. Collection method: research. Allele origin: de novo. Affected: yes.

GeneDx
Classification: Pathogenic. Last evaluated: 2022-03-21. Review status: criteria provided, single submitter. Criteria: GeneDx Variant Classification Process June 2021. Collection method: clinical testing. Allele origin: germline. Affected: yes.
Comment: Affects a glycine residue in a Gly-X-Y motif in the triple helical region of the COL4A1 gene, where the majority of pathogenic missense variants occur, and is predicted to disrupt normal protein folding and function (Stenson et al., 2014; Weng et al., 2012; Yoneda et al., 2013); Not observed at significant frequency in large population cohorts (gnomAD); In silico analysis supports that this missense variant has a deleterious effect on protein structure/function; This variant is associated with the following publications: (PMID: 30181649, 31172278, 32499604, 24077912, 22522439, 23225343)

Center for Pediatric Genomic Medicine, Children's Mercy Hospital and Clinics
Classification: Uncertain significance. Last evaluated: 2016-04-29. Review status: criteria provided, single submitter. Criteria: ACMG Guidelines, 2015. Collection method: clinical testing. Allele origin: germline.
ClinVar note: Converted during submission from Uncertain Significance to Uncertain significance.

Juno Genomics, Hangzhou Juno Genomics, Inc
Classification: Pathogenic for Brain small vessel disease 1 with or without ocular anomalies. Review status: criteria provided, single submitter. Criteria: ACMG Guidelines, 2015. Collection method: clinical testing. Allele origin: germline. Affected: yes.
Comment: Absent from controls (or at extremely low frequency if recessive) in Genome Aggregation Database, Exome Sequencing Project, 1000 Genomes Project, or Exome Aggregation Consortium.;Multiple lines of computational evidence support a deleterious effect on the gene or gene product (conservation, evolutionary, splicing impact, etc).;Missense variant in a gene that has a low rate of benign missense variation and where missense variants are a common mechanism of disease.;The prevalence of the variant in affected individuals is significantly increased compared to the prevalence in controls.;Assumed de novo, but without confirmation of paternity and maternity.

Eye Genetics Research Group, Children's Medical Research Institute
Classification: Likely pathogenic for Anterior segment dysgenesis. Last evaluated: 2020-03-31. Review status: no assertion criteria provided. Collection method: clinical testing. Allele origin: inherited. Affected: yes. Not counted in ClinVar's aggregate classification.

Literature cited by the submitters: PubMed 30181649 (cited by 3billion and Labcorp Genetics (formerly Invitae), Labcorp); PubMed 7695699 (cited by Labcorp Genetics (formerly Invitae), Labcorp); PubMed 8218237 (cited by Labcorp Genetics (formerly Invitae), Labcorp); PubMed 19344236 (cited by Labcorp Genetics (formerly Invitae), Labcorp); PubMed 9016532 (cited by Labcorp Genetics (formerly Invitae), Labcorp); PubMed 17078022 (cited by Labcorp Genetics (formerly Invitae), Labcorp); PubMed 25590979 (cited by Duke University Health System Sequencing Clinic, Duke University Health System); PubMed 32499604 (cited by Eye Genetics Research Group, Children's Medical Research Institute).

NM_001845.6(COL4A1):c.634G>A (p.Gly212Ser)

Gene: COL4A1 (collagen type IV alpha 1 chain; minus strand). Cytogenetic location: 13q34.
Variant type: single nucleotide variant.
Coding change: c.634G>A on transcript NM_001845.6 (MANE Select); coding-DNA position 634, G replaced by A.
Protein change: p.Gly212Ser; replaces glycine 212 with serine.
Molecular consequence: missense variant.
Genome position (GRCh38, 1-based): chr13:110,209,409, C>T on the plus strand (G>A on the coding strand, the complement: COL4A1 is on the minus strand). VCF-style: chr13-110209409-C-T. GRCh37 (hg19) VCF-style: chr13-110861756-C-T.
Other names: c.634G>A, p.Gly212Ser (NM_001303110.2); short protein forms G212S.
Identifiers: ClinVar variation 235568 (VCV000235568.18), dbSNP rs878853070, ClinGen allele CA10581361.